The following is an entry in ClinVar:

ClinVar aggregate classification (germline): Benign. Review status: criteria provided, multiple submitters, no conflicts (2 of 4 stars). 3 submissions from 3 submitters: Benign (3). Last evaluated 2026-01-12.

Conditions:
Primary open angle glaucoma (POAG). Also called: OPTN-related open angle glaucoma. Identifiers: MedGen C0339573, MONDO:0100553, OMIM 137760.
Amyotrophic lateral sclerosis type 12 (ALS12). Also called: AMYOTROPHIC LATERAL SCLEROSIS 12 WITH OR WITHOUT FRONTOTEMPORAL DEMENTIA. Identifiers: Orphanet 803, MedGen C3150692, MONDO:0013264, OMIM 613435.
Glaucoma 1, open angle, E. Identifiers: MedGen C1842026, MONDO:0007665.

Allele frequency attached by ClinVar (database versions not stated): 1000 Genomes Project 30x 0.17864; 1000 Genomes Project 0.18291; gnomAD 0.20691 and 0.21059; TOPMed 0.21044; gnomAD exomes 0.26968.
gnomAD v4.1: 406,303 of 1,541,178 alleles (26%); highest among the groups gnomAD compares: Middle Eastern, 34%; 56,204 homozygotes.

Submissions (3):

Labcorp Genetics (formerly Invitae), Labcorp
Classification: Benign for Primary open angle glaucoma; Glaucoma 1, open angle, E; Amyotrophic lateral sclerosis type 12. Last evaluated: 2026-01-12. Review status: criteria provided, single submitter. Criteria: Invitae Variant Classification Sherloc (09022015). Collection method: clinical testing. Allele origin: germline.

GeneDx
Classification: Benign. Last evaluated: 2018-07-03. Review status: criteria provided, single submitter. Criteria: GeneDx Variant Classification Process June 2021. Collection method: clinical testing. Allele origin: germline. Affected: yes.
Comment: This variant is associated with the following publications: (PMID: 28993189)

Breakthrough Genomics
Classification: Benign. Review status: criteria provided, single submitter. Criteria: ACMG Guidelines, 2015. Collection method: not provided. Allele origin: germline. Inheritance: Autosomal recessive inheritance. Affected: yes.

NM_001008212.2(OPTN):c.166+66A>G

Genes: OPTN (optineurin; plus strand), LOC108903148 (10p13 OPTN distal Alu-mediated recombination region; plus strand). Cytogenetic location: 10p13.
Variant type: single nucleotide variant.
Coding change: c.166+66A>G on transcript NM_001008212.2 (MANE Select); 66 bases into the intron after coding-DNA position 166, A replaced by G.
Molecular consequence: intron variant.
Genome position (GRCh38, 1-based): chr10:13,109,354, A>G. VCF-style: chr10-13109354-A-G. GRCh37 (hg19) VCF-style: chr10-13151354-A-G.
Other names: c.166+66A>G (NM_001008211.1, NM_001008213.1, NM_021980.4).
Identifiers: ClinVar variation 1165128 (VCV001165128.11), dbSNP rs10906303, ClinGen allele CA13345493.